The following is an entry in ClinVar:

NM_006231.4(POLE):c.1419C>T (p.Tyr473=)

Gene: POLE (DNA polymerase epsilon, catalytic subunit; minus strand). Cytogenetic location: 12q24.33.
Variant type: single nucleotide variant.
Coding change: c.1419C>T on transcript NM_006231.4 (MANE Select); coding-DNA position 1419, C replaced by T.
Protein change: p.Tyr473=; no amino-acid change (tyrosine 473 retained).
Molecular consequence: synonymous variant.
Genome position (GRCh38, 1-based): chr12:132,673,218, G>A on the plus strand (C>T on the coding strand, the complement: POLE is on the minus strand). VCF-style: chr12-132673218-G-A. GRCh37 (hg19) VCF-style: chr12-133249804-G-A.
Identifiers: ClinVar variation 240393 (VCV000240393.24), dbSNP rs369961557, ClinGen allele CA6893961.
Genomic context (GRCh38, chr12:132,673,218, plus strand): 5'-GCTCACCTCGTCGGGCTCCATGGGAATAATGGTGCACAGAGCAAAGATGAATGGGTGGAC[G>A]TACTTCATGTACAGGTAGTAAGTGGCGACAGCATCTGACACAGAATACGTGGCCAGAGTC-3'
Protein context (NP_006222.2, residues 463-483): AVATYYLYMK[Tyr473=]VHPFIFALCT

ClinVar aggregate classification (germline): Benign/Likely benign. Review status: criteria provided, multiple submitters, no conflicts (2 of 4 stars). 7 submissions from 7 submitters: Benign (1); Likely benign (6). Last evaluated 2026-02-01.

Conditions:
Colorectal cancer, susceptibility to, 12 (CRCS12). Also called: COLORECTAL CANCER, SUSCEPTIBILITY TO, ON CHROMOSOME 12q24. Identifiers: Orphanet 220460, MedGen C3554460, MONDO:0014038, OMIM 615083.
Hereditary cancer-predisposing syndrome. Also called: Neoplastic Syndromes, Hereditary; Hereditary Cancer Syndrome; Tumor predisposition; Hereditary neoplastic syndrome. Identifiers: Orphanet 140162, MedGen C0027672, MeSH D009386, MONDO:0015356.

Allele frequency attached by ClinVar (database versions not stated): ESP Exome Variant Server 0.00015; gnomAD 0.00001; TOPMed 0.00002.

Submissions (7):

Labcorp Genetics (formerly Invitae), Labcorp
Classification: Likely benign. Last evaluated: 2026-02-01. Review status: criteria provided, single submitter. Criteria: Invitae Variant Classification Sherloc (09022015). Collection method: clinical testing. Allele origin: germline.

Center for Genomic Medicine, Rigshospitalet, Copenhagen University Hospital
Classification: Likely benign. Last evaluated: 2025-03-04. Review status: criteria provided, single submitter. Criteria: ACMG Guidelines, 2015. Collection method: clinical testing. Allele origin: germline.

Myriad Genetics, Inc.
Classification: Benign for Colorectal cancer, susceptibility to, 12. Last evaluated: 2025-02-11. Review status: criteria provided, single submitter. Criteria: Myriad Autosomal Dominant, Autosomal Recessive and X-Linked Classification Criteria (2023). Collection method: clinical testing. Allele origin: unknown.
Comment: This variant is considered benign. This variant is a silent/synonymous amino acid change and it is not expected to impact splicing.

Blueprint Genetics
Classification: Likely benign. Last evaluated: 2022-12-14. Review status: criteria provided, single submitter. Criteria: ACMG Guidelines, 2015. Collection method: clinical testing. Allele origin: germline.

GeneDx
Classification: Likely benign. Last evaluated: 2019-10-24. Review status: criteria provided, single submitter. Criteria: GeneDx Variant Classification Process June 2021. Collection method: clinical testing. Allele origin: germline. Affected: yes.

Quest Diagnostics Nichols Institute San Juan Capistrano
Classification: Likely benign. Last evaluated: 2017-10-07. Review status: criteria provided, single submitter. Criteria: Quest Diagnostics criteria. Collection method: clinical testing. Allele origin: germline.

Ambry Genetics
Classification: Likely benign for Hereditary cancer-predisposing syndrome. Last evaluated: 2015-09-02. Review status: criteria provided, single submitter. Criteria: Ambry Variant Classification Scheme 2023. Collection method: clinical testing. Allele origin: germline.